The following is an entry in ClinVar:

ClinVar aggregate classification (germline): Uncertain significance (1 of 4 stars; one submission).

gnomAD v4.1: 1 of 1,614,056 alleles (0.000062%); highest among the groups gnomAD compares: Non-Finnish European, 0.000085%; no homozygotes.

Submission:

Labcorp Genetics (formerly Invitae), Labcorp
Classification: Uncertain significance. Last evaluated: 2022-05-03. Review status: criteria provided, single submitter. Criteria: Invitae Variant Classification Sherloc (09022015). Collection method: clinical testing. Allele origin: germline.
Comment: In summary, the available evidence is currently insufficient to determine the role of this variant in disease. Therefore, it has been classified as a Variant of Uncertain Significance. Algorithms developed to predict the effect of missense changes on protein structure and function output the following: SIFT: "Tolerated"; PolyPhen-2: "Benign"; Align-GVGD: "Class C0". The glycine amino acid residue is found in multiple mammalian species, which suggests that this missense change does not adversely affect protein function. This variant has not been reported in the literature in individuals affected with CFHR5-related conditions. This variant is not present in population databases (gnomAD no frequency). This sequence change replaces glutamic acid, which is acidic and polar, with glycine, which is neutral and non-polar, at codon 75 of the CFHR5 protein (p.Glu75Gly).

NM_030787.4(CFHR5):c.224A>G (p.Glu75Gly)

Gene: CFHR5 (complement factor H related 5; plus strand). Cytogenetic location: 1q31.3.
Variant type: single nucleotide variant.
Coding change: c.224A>G on transcript NM_030787.4 (MANE Select); coding-DNA position 224, A replaced by G.
Protein change: p.Glu75Gly; replaces glutamic acid 75 with glycine.
Molecular consequence: missense variant.
Genome position (GRCh38, 1-based): chr1:196,983,050, A>G. VCF-style: chr1-196983050-A-G. GRCh37 (hg19) VCF-style: chr1-196952180-A-G.
Other names: short protein forms E75G.
Identifiers: ClinVar variation 1969298 (VCV001969298.5), dbSNP rs1279703232, ClinGen allele CA343998639.